The following is an entry in ClinVar:

NM_000552.5(VWF):c.7773C>T (p.Pro2591=)

Gene: VWF (von Willebrand factor; minus strand). Cytogenetic location: 12p13.31.
Variant type: single nucleotide variant.
Coding change: c.7773C>T on transcript NM_000552.5 (MANE Select); coding-DNA position 7773, C replaced by T.
Protein change: p.Pro2591=; no amino-acid change (proline 2591 retained).
Molecular consequence: synonymous variant.
Genome position (GRCh38, 1-based): chr12:5,967,600, G>A on the plus strand (C>T on the coding strand, the complement: VWF is on the minus strand). VCF-style: chr12-5967600-G-A. GRCh37 (hg19) VCF-style: chr12-6076766-G-A.
Other names: p.Pro2591=; c.7773C>T (NM_000552.3).
Identifiers: ClinVar variation 4541677 (VCV004541677.2).
Genomic context (GRCh38, chr12:5,967,600, plus strand): 5'-GACCCCCACCTGCACCATGCAGCGGCAGGTCGTGCACACATCGATCATCACAGTCTTCCC[G>A]GGCTGGAAGCAGAGGCACCAGGGTCAGGCCCCCCAGCATCCCCCAACCCCCCACTCACCT-3'
Protein context (NP_000543.3, residues 2581-2601): ACMLNGTVIG[Pro2591=]GKTVMIDVCT

ClinVar aggregate classification (germline): Conflicting classifications of pathogenicity. Review status: criteria provided, conflicting classifications (1 of 4 stars). 3 submissions from 3 submitters: Uncertain significance (2); Likely benign (1). Last evaluated 2025-12-12.

Conditions:
Inborn genetic diseases. Identifiers: MedGen C0950123, MeSH D030342.

gnomAD v4.1: 96 of 1,613,366 alleles (0.006%); highest among the groups gnomAD compares: Admixed American, 0.025%; no homozygotes.

Submissions (3):

Women's Health and Genetics/Laboratory Corporation of America, LabCorp
Classification: Uncertain significance. Last evaluated: 2025-12-12. Review status: criteria provided, single submitter. Criteria: LabCorp Variant Classification Summary - May 2015. Collection method: clinical testing. Allele origin: germline.
Comment: Variant summary: VWF c.7773C>T (p.Pro2591Pro) alters a conserved nucleotide located close to a canonical splice site and therefore could affect mRNA splicing, leading to a significantly altered protein sequence. Consensus agreement among computation tools predict no significant impact on normal splicing. However, these predictions have yet to be confirmed by functional studies. The variant allele was found at a frequency of 6.8e-05 in 250734 control chromosomes (gnomAD). This frequency is not significantly higher than estimated for disease-causing variants in VWF, allowing no conclusion about variant significance. c.7773C>T has been observed in an individual affected with Von Willebrand Disease without strong evidence of causality (Borras_2017). This report does not provide unequivocal conclusions about association of the variant with Von Willebrand Disease. To our knowledge, no experimental evidence demonstrating an impact on protein function has been reported. The following publication has been ascertained in the context of this evaluation (PMID: 28971901). No submitters have cited clinical-significance assessments for this variant to ClinVar. Based on the evidence outlined above, the variant was classified as uncertain significance.

Ambry Genetics
Classification: Likely benign for Inborn genetic diseases. Last evaluated: 2025-10-07. Review status: criteria provided, single submitter. Criteria: Ambry Variant Classification Scheme 2023. Collection method: clinical testing. Allele origin: germline.

Mayo Clinic Laboratories, Mayo Clinic
Classification: Uncertain significance. Last evaluated: 2025-01-24. Review status: criteria provided, single submitter. Criteria: ACMG Guidelines, 2015. Collection method: clinical testing. Allele origin: germline. Observed: 1 variant allele.
Comment: BP4, BP7

Literature cited by the submitters: PubMed 28971901 (cited by Women's Health and Genetics/Laboratory Corporation of America, LabCorp and Mayo Clinic Laboratories, Mayo Clinic); PubMed 38158197 (cited by Mayo Clinic Laboratories, Mayo Clinic).